The following is an entry in ClinVar:

ClinVar aggregate classification (germline): Pathogenic (1 of 4 stars; one submission).

Submission:

ISCA Site 6
Classification: Pathogenic. Last evaluated: 2011-08-12. Review status: criteria provided, single submitter. Criteria: Kaminsky et al. (Genet Med. 2011). Collection method: clinical testing. Allele origin: de novo. Affected: yes. Observed: 1 variant allele.
Comment: Copy number variation identified through the course of routine clinical cytogenomic testing in postnatal populations. Clinical assertions have been curated as described in Kaminsky et al. 2011.

GRCh38/hg38 17p11.2(chr17:16836827-20465067)x1

Genes: AKAP10 (A-kinase anchoring protein 10; minus strand), ALDH3A1 (aldehyde dehydrogenase 3 family member A1; minus strand), ALDH3A2 (aldehyde dehydrogenase 3 family member A2; plus strand), ALKBH5 (alkB homolog 5, RNA demethylase; plus strand), ATPAF2 (ATP synthase mitochondrial F1 complex assembly factor 2; minus strand) and 243 more. Cytogenetic location: 17p11.2.
Variant type: copy number loss.
Change: copy number 1 (one copy instead of two) of chr17:16,836,827-20,465,067 (3.63 Mb, GRCh38 coordinates, 1-based), cytogenetic band 17p11.2.
Identifiers: ClinVar variation 60455 (VCV000060455.2).